The following is an entry in ClinVar:

NM_000297.4(PKD2):c.2400G>A (p.Met800Ile)

Gene: PKD2 (polycystin 2, transient receptor potential cation channel; plus strand). Cytogenetic location: 4q22.1.
Variant type: single nucleotide variant.
Coding change: c.2400G>A on transcript NM_000297.4 (MANE Select); coding-DNA position 2400, G replaced by A.
Protein change: p.Met800Ile; replaces methionine 800 with isoleucine.
Molecular consequence: missense variant. On other transcripts: non-coding transcript variant (1).
Genome position (GRCh38, 1-based): chr4:88,067,939, G>A. VCF-style: chr4-88067939-G-A. GRCh37 (hg19) VCF-style: chr4-88989091-G-A.
Other names: short protein forms M800I.
Identifiers: ClinVar variation 2823296 (VCV002823296.3), dbSNP rs758862429, ClinGen allele CA3004242.

ClinVar aggregate classification (germline): Uncertain significance (1 of 4 stars; one submission).

Conditions:
Autosomal dominant polycystic kidney disease. Identifiers: Orphanet 730, MedGen C0085413, MONDO:0004691.

Allele frequency attached by ClinVar (database versions not stated): gnomAD exomes below 0.00001; ExAC 0.00001.
gnomAD v4.1: 1 of 1,614,052 alleles (0.000062%); highest among the groups gnomAD compares: Non-Finnish European, 0.000085%; no homozygotes.

Submission:

Labcorp Genetics (formerly Invitae), Labcorp
Classification: Uncertain significance for Autosomal dominant polycystic kidney disease. Last evaluated: 2023-04-22. Review status: criteria provided, single submitter. Criteria: Invitae Variant Classification Sherloc (09022015). Collection method: clinical testing. Allele origin: germline.
Comment: In summary, the available evidence is currently insufficient to determine the role of this variant in disease. Therefore, it has been classified as a Variant of Uncertain Significance. An algorithm developed to predict the effect of missense changes on protein structure and function (PolyPhen-2) suggests that this variant is likely to be tolerated. This variant has not been reported in the literature in individuals affected with PKD2-related conditions. This variant is present in population databases (rs758862429, gnomAD 0.0009%). This sequence change replaces methionine, which is neutral and non-polar, with isoleucine, which is neutral and non-polar, at codon 800 of the PKD2 protein (p.Met800Ile).